The following is an entry in ClinVar:

ClinVar aggregate classification (germline): Pathogenic. Review status: criteria provided, multiple submitters, no conflicts (2 of 4 stars). 5 submissions from 5 submitters: Pathogenic (5). Last evaluated 2025-09-20.

Conditions:
Familial cancer of breast. Also called: BREAST CANCER, FAMILIAL; hereditary breast carcinoma; Hereditary breast cancer. Identifiers: Orphanet 227535, MedGen C0346153, MONDO:0016419, OMIM 114480. Disease mechanism: loss of function.
Hereditary cancer-predisposing syndrome. Also called: Neoplastic Syndromes, Hereditary; Tumor predisposition; Hereditary Cancer Syndrome; Hereditary neoplastic syndrome. Identifiers: Orphanet 140162, MedGen C0027672, MeSH D009386, MONDO:0015356.

Submissions (5):

Labcorp Genetics (formerly Invitae), Labcorp
Classification: Pathogenic for Familial cancer of breast. Last evaluated: 2025-09-20. Review status: criteria provided, single submitter. Criteria: Invitae Variant Classification Sherloc (09022015). Collection method: clinical testing. Allele origin: germline.
Comment: This sequence change creates a premature translational stop signal (p.Val154Glufs*8) in the BARD1 gene. It is expected to result in an absent or disrupted protein product. Loss-of-function variants in BARD1 are known to be pathogenic (PMID: 20077502, 21344236). This variant is present in population databases (rs772486760, gnomAD 0.007%). This premature translational stop signal has been observed in individual(s) with prostate cancer (PMID: 27433846). ClinVar contains an entry for this variant (Variation ID: 230344). For these reasons, this variant has been classified as Pathogenic.

Myriad Genetics, Inc.
Classification: Pathogenic for Familial cancer of breast. Last evaluated: 2023-05-18. Review status: criteria provided, single submitter. Criteria: Myriad Autosomal Dominant, Autosomal Recessive and X-Linked Classification Criteria (2023). Collection method: clinical testing. Allele origin: unknown.
Comment: This variant is considered pathogenic. This variant creates a frameshift predicted to result in premature protein truncation.

Ambry Genetics
Classification: Pathogenic for Hereditary cancer-predisposing syndrome. Last evaluated: 2023-02-15. Review status: criteria provided, single submitter. Criteria: Ambry Variant Classification Scheme 2023. Collection method: clinical testing. Allele origin: germline.
Comment: The c.457_460dupAAAG pathogenic mutation, located in coding exon 4 of the BARD1 gene, results from a duplication of AAAG at nucleotide position 457, causing a translational frameshift with a predicted alternate stop codon (p.V154Efs*8). This alteration has been reported in an individual affected with prostate cancer (Pritchard CC et al. N. Engl. J. Med., 2016 Aug;375:443-53). In addition to the clinical data presented in the literature, this alteration is expected to result in loss of function by premature protein truncation or nonsense-mediated mRNA decay. As such, this alteration is interpreted as a disease-causing mutation.

Baylor Genetics
Classification: Pathogenic for Familial cancer of breast. Last evaluated: 2022-04-29. Review status: criteria provided, single submitter. Criteria: ACMG Guidelines, 2015. Collection method: clinical testing. Allele origin: unknown.

GeneDx
Classification: Pathogenic. Last evaluated: 2017-07-21. Review status: criteria provided, single submitter. Criteria: GeneDx Variant Classification (06012015). Collection method: clinical testing. Allele origin: germline. Affected: yes.
Comment: This duplication of four nucleotides in BARD1 is denoted c.457_460dupAAAG at the cDNA level and p.Val154GlufsX8 (V154EfsX8) at the protein level. The normal sequence, with the bases that are duplicated in brackets, is TAAG[dupAAAG]TCAG. The duplication causes a frameshift which changes a Valine to a Glutamic Acid at codon 154, and creates a premature stop codon at position 8 of the new reading frame. This variant is predicted to cause loss of normal protein function through either protein truncation or nonsense-mediated mRNA decay. BARD1 c.457_460dupAAAG has been observed in at least one individual with prostate cancer (Pritchard 2016). We consider this variant to be pathogenic.

Literature cited by the submitters: PubMed 20077502 (cited by Labcorp Genetics (formerly Invitae), Labcorp); PubMed 21344236 (cited by Labcorp Genetics (formerly Invitae), Labcorp); PubMed 27433846 (cited by Labcorp Genetics (formerly Invitae), Labcorp and Ambry Genetics).

NM_000465.4(BARD1):c.457_460dup (p.Val154fs)

Gene: BARD1 (BRCA1 associated RING domain 1; minus strand). Cytogenetic location: 2q35.
Variant type: Duplication.
Coding change: c.457_460dup on transcript NM_000465.4 (MANE Select); coding-DNA positions 457 to 460, 4 bases duplicated (AAAG; older notation c.457_460dupAAAG).
Protein change: p.Val154fs; shifts the reading frame from valine 154.
Molecular consequence: frameshift variant. On other transcripts: non-coding transcript variant (2), intron variant (3).
Genome position (GRCh38, 1-based): chr2:214,781,414-214,781,417, CTTT duplicated on the plus strand (AAAG on the coding strand, the reverse complement: BARD1 is on the minus strand); duplicating any 4 consecutive bases within chr2:214,781,414-214,781,420 gives the same sequence; the c. name uses the placement nearest the transcript's 3' end. VCF-style (leftmost placement, unchanged base first): chr2-214781413-A-ACTTT. GRCh37 (hg19) VCF-style: chr2-215646137-A-ACTTT.
Other names: c.400_403dup, p.Val135fs (NM_001282543.2); c.158+27995_158+27998dup (NM_001282548.2); c.215+15644_215+15647dup (NM_001282545.2); c.364+10880_364+10883dup (NM_001282549.2); c.457_460dupAAAG (NM_000465.2); short protein forms V135fs, V154fs.
Identifiers: ClinVar variation 230344 (VCV000230344.16), dbSNP rs772486760, ClinGen allele CA2090423.